The following is an entry in ClinVar:

NM_177550.5(SLC13A5):c.446T>C (p.Val149Ala)

Gene: SLC13A5 (solute carrier family 13 member 5; minus strand). Cytogenetic location: 17p13.1.
Variant type: single nucleotide variant.
Coding change: c.446T>C on transcript NM_177550.5 (MANE Select); coding-DNA position 446, T replaced by C.
Protein change: p.Val149Ala; replaces valine 149 with alanine.
Molecular consequence: missense variant.
Genome position (GRCh38, 1-based): chr17:6,703,979, A>G on the plus strand (T>C on the coding strand, the complement: SLC13A5 is on the minus strand). VCF-style: chr17-6703979-A-G. GRCh37 (hg19) VCF-style: chr17-6607298-A-G.
Other names: c.446T>C, p.Val149Ala (NM_001143838.3); c.395T>C, p.Val132Ala (NM_001284509.2); c.317T>C, p.Val106Ala (NM_001284510.2); short protein forms V106A, V132A, V149A.
Identifiers: ClinVar variation 1484303 (VCV001484303.6), dbSNP rs761377416, ClinGen allele CA8331714.
Genomic context (GRCh38, chr17:6,703,979, plus strand): 5'-CCGGCCTCGGTGGCTGCGCTTGTGGCTTCCATCTGCTGCAATATGGCCTCCACGATGGGC[A>G]CCATCATGGCCGTGGTTGCCGTGTTACTGATCCACATGGACAGGAGGGCTGTGACGCCCA-3'
Protein context (NP_808218.1, residues 139-159): ISNTATTAMM[Val149Ala]PIVEAILQQM

ClinVar aggregate classification (germline): Uncertain significance (1 of 4 stars; one submission).

Conditions:
Developmental and epileptic encephalopathy, 25 (DEE25). Also called: Epileptic encephalopathy, early infantile, 25; Developmental and epileptic encephalopathy 25, with amelogenesis imperfecta; Epileptic encephalopathy, early infantile, 25, with amelogenesis imperfecta. Identifiers: Orphanet 442835, MedGen C4014621, MONDO:0014392, OMIM 615905.

Allele frequency attached by ClinVar (database versions not stated): gnomAD exomes below 0.00001 and 0.00002; TOPMed 0.00001; ExAC 0.00002.
gnomAD v4.1: 2 of 1,613,036 alleles (0.00012%); highest among the groups gnomAD compares: East Asian, 0.0022%; no homozygotes.

Submission:

Labcorp Genetics (formerly Invitae), Labcorp
Classification: Uncertain significance for Developmental and epileptic encephalopathy, 25. Last evaluated: 2021-11-30. Review status: criteria provided, single submitter. Criteria: Invitae Variant Classification Sherloc (09022015). Collection method: clinical testing. Allele origin: germline.
Comment: Algorithms developed to predict the effect of missense changes on protein structure and function are either unavailable or do not agree on the potential impact of this missense change (SIFT: "Deleterious"; PolyPhen-2: "Benign"; Align-GVGD: "Class C25"). In summary, the available evidence is currently insufficient to determine the role of this variant in disease. Therefore, it has been classified as a Variant of Uncertain Significance. This variant has not been reported in the literature in individuals affected with SLC13A5-related conditions. This variant is present in population databases (rs761377416, gnomAD 0.02%). This sequence change replaces valine, which is neutral and non-polar, with alanine, which is neutral and non-polar, at codon 149 of the SLC13A5 protein (p.Val149Ala).